The following is an entry in ClinVar:

ClinVar aggregate classification (germline): Conflicting classifications of pathogenicity. Review status: criteria provided, conflicting classifications (1 of 4 stars). 15 submissions from 15 submitters: Uncertain significance (2); Benign (6); Likely benign (4). 3 of the submissions do not count toward it. Last evaluated 2026-08-01.

Conditions:
COL6A3-related disorder. Also called: COL6A3-related disorders; COL6A3-related condition.
Collagen 6-related myopathy. Identifiers: MedGen CN117976, MONDO:0100225.
Bethlem myopathy 1A. Also called: Bethlem Muscular Dystrophy; MYOPATHY, BENIGN CONGENITAL, WITH CONTRACTURES; Bethlem myopathy 1. Identifiers: Orphanet 610, MedGen CN029274, MONDO:0024530, OMIM 158810.
Tip-toe gait. Also called: Toe walking. Identifiers: MedGen C0427144, HP:0030051.

Allele frequency attached by ClinVar (database versions not stated): 1000 Genomes Project 30x 0.00141; 1000 Genomes Project 0.00180; TOPMed 0.00292; ESP Exome Variant Server 0.00354; gnomAD exomes 0.00543 and 0.00623; gnomAD 0.00580 and 0.00602; ExAC 0.00599.
gnomAD v4.1: 8,775 of 1,613,472 alleles (0.54%); highest among the groups gnomAD compares: Non-Finnish European, 0.52%; 60 homozygotes.

Submissions (15):

CeGaT Center for Human Genetics Tuebingen
Classification: Likely benign. Last evaluated: 2026-08-01. Review status: criteria provided, single submitter. Criteria: CeGaT Center For Human Genetics Tuebingen Variant Classification Criteria Version 2. Collection method: clinical testing. Allele origin: germline. Affected: yes. Observed: 44 variant alleles.
Comment: COL6A3: BP4, BS2

Labcorp Genetics (formerly Invitae), Labcorp
Classification: Benign for Bethlem myopathy 1A. Last evaluated: 2026-01-26. Review status: criteria provided, single submitter. Criteria: Invitae Variant Classification Sherloc (09022015). Collection method: clinical testing. Allele origin: germline.

Athena Diagnostics
Classification: Benign. Last evaluated: 2025-09-24. Review status: criteria provided, single submitter. Criteria: Athena Diagnostics Criteria. Collection method: clinical testing. Allele origin: unknown.
Comment: The frequency of this variant in the general population is higher than would generally be expected for pathogenic variants in this gene.

Blueprint Genetics
Classification: Likely benign. Last evaluated: 2024-11-25. Review status: criteria provided, single submitter. Criteria: ACMG Guidelines, 2015. Collection method: clinical testing. Allele origin: germline.

Mayo Clinic Laboratories, Mayo Clinic
Classification: Benign. Last evaluated: 2022-11-09. Review status: criteria provided, single submitter. Criteria: ACMG Guidelines, 2015. Collection method: clinical testing. Allele origin: germline. Observed: 7 variant alleles.

Practice for Gait Abnormalities, David Pomarino, Competency Network Toe Walking C/o Practice Pomarino
Classification: Uncertain significance for Tip-toe gait. Last evaluated: 2020-01-15. Review status: criteria provided, single submitter. Criteria: ACMG Guidelines, 2015. Collection method: clinical testing. Allele origin: unknown. Affected: yes.
Comment: Myopathy refers to diseases that affect skeletal Muscles. These diseases attack muscle fibers, making muscles weak. Inherited myopathies are often caused by inheriting an abnormal gene mutation from a parent that causes the disease. Symptoms of congenital myopathies usually start at birth or in early childhood, but may not appear until the teen years or even later in adulthood. Congenital myopathies are somewhat unique compared with other inherited myopathies, as weakness typically affects all muscles and is often not progressive. Symptoms are: Muscle weakness, most commonly of upper arms and shoulders and thighs, muscle cramps, stiffness and spasms, fatigue with exertion and lack of energy. Our patients all walk on tiptoe, so they show similar symptoms. When we genetically test them with our toe walking panel, we find that around 90 per cent of them have a genetic variant that explains their toe walking. These can be assigned, for example, to the area of myopathies (such as variants of the COL6A3 gene), the area of hereditary neuropathies (such as variants of the KMT2C gene) or the area of metabolic diseases (such as variants of the PYGM gene). In a smaller group of patients with almost identical symptoms, no abnormality is found in the genes of our panel, but spastic paraplegia can be detected. In another small group of our toe walkers, no abnormalities can be detected in the genes analysed in our toe walking panel, nor do they suffer from spastic paraplegia, as is also the case with healthy children. In contrast to these, however, they show a tiptoe gait. These patients suffer from infantile cerebral palsy, in which toe walking can also be observed.

Illumina Laboratory Services, Illumina
Classification: Likely benign for Collagen VI-related myopathy. Last evaluated: 2017-04-27. Review status: criteria provided, single submitter. Criteria: ICSL Variant Classification Criteria 13 December 2019. Collection method: clinical testing. Allele origin: germline.
Comment: This variant was observed as part of a predisposition screen in an ostensibly healthy population. A literature search was performed for the gene, cDNA change, and amino acid change (where applicable). No publications were found based on this search. Allele frequency data from public databases allowed determination this variant is unlikely to cause disease. Therefore, this variant is classified as likely benign.

GeneDx
Classification: Benign. Last evaluated: 2017-01-17. Review status: criteria provided, single submitter. Criteria: GeneDx Variant Classification (06012015). Collection method: clinical testing. Allele origin: germline. Affected: yes.
Comment: This variant is considered likely benign or benign based on one or more of the following criteria: it is a conservative change, it occurs at a poorly conserved position in the protein, it is predicted to be benign by multiple in silico algorithms, and/or has population frequency not consistent with disease.

Genetic Services Laboratory, University of Chicago
Classification: Benign. Last evaluated: 2016-07-12. Review status: criteria provided, single submitter. Criteria: ACMG Guidelines, 2015. Collection method: clinical testing. Allele origin: germline. Affected: no.

Center for Pediatric Genomic Medicine, Children's Mercy Hospital and Clinics
Classification: Likely benign. Last evaluated: 2015-12-02. Review status: criteria provided, single submitter. Criteria: ACMG Guidelines, 2015. Collection method: clinical testing. Allele origin: germline.
ClinVar note: Converted during submission from Likely Benign to Likely benign.

Center for Genetic Medicine Research, Children's National Medical Center
Classification: Uncertain significance. Last evaluated: 2015-12-01. Review status: criteria provided, single submitter. Criteria: Punetha et al. (J Neuromuscul Dis. 2016). Collection method: research. Allele origin: unknown. Observed: 2 variant alleles.

Eurofins Ntd Llc (ga)
Classification: Benign. Last evaluated: 2015-01-07. Review status: criteria provided, single submitter. Criteria: EGL Classification Definitions 2015. Collection method: clinical testing. Allele origin: germline. Observed: 1 variant allele, 1 heterozygote.

PreventionGenetics, part of Exact Sciences
Classification: Benign for COL6A3-related condition. Last evaluated: 2021-02-10. Review status: no assertion criteria provided. Collection method: clinical testing. Allele origin: germline. Not counted in ClinVar's aggregate classification.
Comment: This variant is classified as benign based on ACMG/AMP sequence variant interpretation guidelines (Richards et al. 2015 PMID: 25741868, with internal and published modifications).

Clinical Genetics DNA and cytogenetics Diagnostics Lab, Erasmus MC, Erasmus Medical Center
Classification: Likely benign. Review status: no assertion criteria provided. Collection method: clinical testing. Allele origin: germline. Affected: yes. Study: VKGL Data-share Consensus. Not counted in ClinVar's aggregate classification.

Laboratory of Diagnostic Genome Analysis, Leiden University Medical Center (LUMC)
Classification: Likely benign. Review status: no assertion criteria provided. Collection method: clinical testing. Allele origin: germline. Affected: yes. Study: VKGL Data-share Consensus. Not counted in ClinVar's aggregate classification.

Literature cited by the submitters: PubMed 15689448 (cited by Athena Diagnostics); PubMed 27854218 (cited by Athena Diagnostics); PubMed 27708273 (cited by Athena Diagnostics); PubMed 28562329 (cited by Athena Diagnostics); PubMed 24332716 (cited by Athena Diagnostics); PubMed 37091313 (cited by Practice for Gait Abnormalities, David Pomarino, Competency Network Toe Walking C/o Practice Pomarino).

NM_004369.4(COL6A3):c.4156G>A (p.Glu1386Lys)

Gene: COL6A3 (collagen type VI alpha 3 chain; minus strand). Cytogenetic location: 2q37.3.
Variant type: single nucleotide variant.
Coding change: c.4156G>A on transcript NM_004369.4 (MANE Select); coding-DNA position 4156, G replaced by A.
Protein change: p.Glu1386Lys; replaces glutamic acid 1386 with lysine.
Molecular consequence: missense variant.
Genome position (GRCh38, 1-based): chr2:237,371,861, C>T on the plus strand (G>A on the coding strand, the complement: COL6A3 is on the minus strand). VCF-style: chr2-237371861-C-T. GRCh37 (hg19) VCF-style: chr2-238280504-C-T.
Other names: c.2935G>A, p.Glu979Lys (NM_057164.5); c.3538G>A, p.Glu1180Lys (NM_057165.5, NM_057167.4); c.2335G>A, p.Glu779Lys (NM_057166.5); short protein forms E1386K, E779K, E1180K, E979K.
Identifiers: ClinVar variation 128819 (VCV000128819.61), dbSNP rs146092501, ClinGen allele CA203744.